The following is an entry in ClinVar:

NM_004370.6(COL12A1):c.7210+3dup

Genes: COL12A1 (collagen type XII alpha 1 chain; minus strand), LOC126859712 (MED14-independent group 3 enhancer GRCh37_chr6:75828643-75829842; plus strand). Cytogenetic location: 6q13.
Variant type: Duplication.
Coding change: c.7210+3dup on transcript NM_004370.6 (MANE Select); 3 bases into the intron after coding-DNA position 7210, one base duplicated (A; older notation c.7210+3dupA).
Molecular consequence: intron variant.
Genome position (GRCh38, 1-based): chr6:75,119,347, T duplicated on the plus strand (A on the coding strand, the reverse complement: COL12A1 is on the minus strand). VCF-style (leftmost placement, unchanged base first): chr6-75119346-A-AT. GRCh37 (hg19) VCF-style: chr6-75829062-A-AT.
Other names: c.3718+3dup (NM_001424116.1, NM_080645.3); c.6937+3dup (NM_001424115.1); c.7189+3dup (NM_001424114.1); c.7210+3dup (NM_001424113.1).
Identifiers: ClinVar variation 2951861 (VCV002951861.3), dbSNP rs2533202272, ClinGen allele CA2740091410.
Genomic context (GRCh38, chr6:75,119,346, plus strand): 5'-AGATAATACACTCAGTTCTGCCACTACAAATGCTTGAAGAGTAAAGGTCTACATATACAC[A>AT]TACCTGTTCTTGTGTTTCCTCCTCTGTACCTAATATTCTGGAGGGCCCCAAGGGCTAGGG-3'

ClinVar aggregate classification (germline): Uncertain significance (1 of 4 stars; one submission).

Conditions:
Ullrich congenital muscular dystrophy 2 (UCMD2). Identifiers: Orphanet 75840, MedGen C4225314, MONDO:0014654, OMIM 616470.
Bethlem myopathy 2 (BTHLM2). Identifiers: Orphanet 536516, Orphanet 610, MedGen C4225313, MONDO:0034022, OMIM 616471.

Submission:

Labcorp Genetics (formerly Invitae), Labcorp
Classification: Uncertain significance for Bethlem myopathy 2; Ullrich congenital muscular dystrophy 2. Last evaluated: 2023-09-11. Review status: criteria provided, single submitter. Criteria: Invitae Variant Classification Sherloc (09022015). Collection method: clinical testing. Allele origin: germline.
Comment: In summary, the available evidence is currently insufficient to determine the role of this variant in disease. Therefore, it has been classified as a Variant of Uncertain Significance. Variants that disrupt the consensus splice site are a relatively common cause of aberrant splicing (PMID: 17576681, 9536098). Algorithms developed to predict the effect of sequence changes on RNA splicing suggest that this variant is not likely to affect RNA splicing. This variant has not been reported in the literature in individuals affected with COL12A1-related conditions. This variant is not present in population databases (gnomAD no frequency). This sequence change falls in intron 45 of the COL12A1 gene. It does not directly change the encoded amino acid sequence of the COL12A1 protein. It affects a nucleotide within the consensus splice site.

Literature cited by the submitters: PubMed 17576681; PubMed 9536098.